The following is an entry in ClinVar:

NM_001009994.3(RIPPLY2):c.40G>A (p.Ala14Thr)

Genes: RIPPLY2 (ripply transcriptional repressor 2; plus strand), RIPPLY2-CYB5R4 (RIPPLY2-CYB5R4 readthrough; plus strand). Cytogenetic location: 6q14.2.
Variant type: single nucleotide variant.
Coding change: c.40G>A on transcript NM_001009994.3 (MANE Select); coding-DNA position 40, G replaced by A.
Protein change: p.Ala14Thr; replaces alanine 14 with threonine.
Molecular consequence: missense variant. On other transcripts: non-coding transcript variant (1).
Genome position (GRCh38, 1-based): chr6:83,853,456, G>A. VCF-style: chr6-83853456-G-A. GRCh37 (hg19) VCF-style: chr6-84563175-G-A.
Other names: c.40G>A (NM_001009994.2); c.40G>A, p.Ala14Thr (NM_001400900.1); short protein forms A14T.
Identifiers: ClinVar variation 1982826 (VCV001982826.7), dbSNP rs372681617, ClinGen allele CA142674428.

ClinVar aggregate classification (germline): Uncertain significance. Review status: criteria provided, multiple submitters, no conflicts (2 of 4 stars). 2 submissions from 2 submitters: Uncertain significance (2). Last evaluated 2025-09-30.

Allele frequency attached by ClinVar (database versions not stated): 1000 Genomes Project 30x 0.00016.
gnomAD v4.1: 35 of 1,542,536 alleles (0.0023%); highest among the groups gnomAD compares: Admixed American, 0.004%; no homozygotes.

Submissions (2):

Labcorp Genetics (formerly Invitae), Labcorp
Classification: Uncertain significance. Last evaluated: 2025-09-30. Review status: criteria provided, single submitter. Criteria: Invitae Variant Classification Sherloc (09022015). Collection method: clinical testing. Allele origin: germline.
Comment: This sequence change replaces alanine, which is neutral and non-polar, with threonine, which is neutral and polar, at codon 14 of the RIPPLY2 protein (p.Ala14Thr). The frequency data for this variant in the population databases is considered unreliable, as metrics indicate poor data quality at this position in the gnomAD database. This variant has not been reported in the literature in individuals affected with RIPPLY2-related conditions. ClinVar contains an entry for this variant (Variation ID: 1982826). Experimental studies and prediction algorithms are not available or were not evaluated, and the functional significance of this variant is currently unknown. In summary, the available evidence is currently insufficient to determine the role of this variant in disease. Therefore, it has been classified as a Variant of Uncertain Significance.

Revvity Omics, Revvity
Classification: Uncertain significance. Last evaluated: 2021-04-19. Review status: criteria provided, single submitter. Criteria: ACMG Guidelines, 2015. Collection method: clinical testing. Allele origin: germline.